The following is an entry in ClinVar:

ClinVar aggregate classification (germline): Likely benign. Review status: criteria provided, multiple submitters, no conflicts (2 of 4 stars). 4 submissions from 4 submitters: Likely benign (3). 1 of the submissions does not count toward it. Last evaluated 2025-12-13.

Conditions:
LHX3-related disorder. Also called: LHX3-related condition.
Inborn genetic diseases. Identifiers: MedGen C0950123, MeSH D030342.
Combined pituitary hormone deficiencies, genetic form. Also called: Pituitary hormone deficiency, combined. Identifiers: Orphanet 95494, MedGen C4273747, MONDO:0013099.

Allele frequency attached by ClinVar (database versions not stated): gnomAD 0.00003; TOPMed 0.00021; ExAC 0.00066.
gnomAD v4.1: 128 of 1,588,678 alleles (0.0081%); highest among the groups gnomAD compares: Admixed American, 0.21%; 1 homozygote.

Submissions (4):

Labcorp Genetics (formerly Invitae), Labcorp
Classification: Likely benign. Last evaluated: 2025-12-13. Review status: criteria provided, single submitter. Criteria: Invitae Variant Classification Sherloc (09022015). Collection method: clinical testing. Allele origin: germline.

Ambry Genetics
Classification: Likely benign for Inborn genetic diseases. Last evaluated: 2025-11-11. Review status: criteria provided, single submitter. Criteria: Ambry Variant Classification Scheme 2023. Collection method: clinical testing. Allele origin: germline.

PreventionGenetics, part of Exact Sciences
Classification: Likely benign for LHX3-related condition. Last evaluated: 2025-05-07. Review status: criteria provided, single submitter. Criteria: ACMG Guidelines, 2015. Collection method: clinical testing. Allele origin: germline.
Comment: This variant is classified as likely benign based on ACMG/AMP sequence variant interpretation guidelines (Richards et al. 2015 PMID: 25741868, with internal and published modifications).

Natera, Inc.
Classification: Likely benign for Combined pituitary hormone deficiency. Last evaluated: 2020-04-13. Review status: no assertion criteria provided. Collection method: clinical testing. Allele origin: germline. Not counted in ClinVar's aggregate classification.

NM_178138.6(LHX3):c.555C>A (p.His185Gln)

Gene: LHX3 (LIM homeobox 3; minus strand). Cytogenetic location: 9q34.3.
Variant type: single nucleotide variant.
Coding change: c.555C>A on transcript NM_178138.6 (MANE Select); coding-DNA position 555, C replaced by A.
Protein change: p.His185Gln; replaces histidine 185 with glutamine.
Molecular consequence: missense variant.
Genome position (GRCh38, 1-based): chr9:136,198,959, G>T on the plus strand (C>A on the coding strand, the complement: LHX3 is on the minus strand). VCF-style: chr9-136198959-G-T. GRCh37 (hg19) VCF-style: chr9-139090805-G-T.
Other names: c.522C>A, p.His174Gln (NM_001363746.1); c.570C>A, p.His190Gln (NM_014564.5); c.570C>A (NM_014564.3); short protein forms H174Q, H185Q, H190Q.
Identifiers: ClinVar variation 773916 (VCV000773916.13), dbSNP rs760626241, ClinGen allele CA5330461.
Genomic context (GRCh38, chr9:136,198,959, plus strand): 5'-AGCGCTGACCTGCACCACGCGCATGTCCAGGCCCGTCTCGGACGAGAGCTGCTCGCGCAC[G>T]TGGCGCGCCGGCTTGGGCGAGGTGTTGTAAGCGCTCTTCAGCGTCTCCAGCTGCTTGGCG-3'
Protein context (NP_835258.1, residues 175-195): AYNTSPKPAR[His185Gln]VREQLSSETG